The following is an entry in ClinVar:

ClinVar aggregate classification (germline): Pathogenic. Review status: criteria provided, multiple submitters, no conflicts (2 of 4 stars). 2 submissions from 2 submitters: Pathogenic (2). Last evaluated 2025-05-07.

Conditions:
Hereditary cancer-predisposing syndrome. Also called: Neoplastic Syndromes, Hereditary; Tumor predisposition; Hereditary Cancer Syndrome; Hereditary neoplastic syndrome. Identifiers: Orphanet 140162, MedGen C0027672, MeSH D009386, MONDO:0015356.
Neurofibromatosis, type 2 (SWNV). Also called: NF2-Related Schwannomatosis; BILATERAL ACOUSTIC NEUROFIBROMATOSIS; SCHWANNOMATOSIS, VESTIBULAR. Identifiers: Orphanet 637, MedGen C0027832, MONDO:0007039, OMIM 101000. Disease mechanism: loss of function.

Submissions (2):

Ambry Genetics
Classification: Pathogenic for Hereditary cancer-predisposing syndrome. Last evaluated: 2025-05-07. Review status: criteria provided, single submitter. Criteria: Ambry Variant Classification Scheme 2023. Collection method: clinical testing. Allele origin: germline.
Comment: The c.1229dupA pathogenic mutation, located in coding exon 12 of the NF2 gene, results from a duplication of A at nucleotide position 1229, causing a translational frameshift with a predicted alternate stop codon (p.R411Afs*32). This variant was reported in individual(s) with features consistent with NF2-related schwannomatosis (Ambry internal data). This variant is considered to be rare based on population cohorts in the Genome Aggregation Database (gnomAD). This alteration is expected to result in loss of function by premature protein truncation or nonsense-mediated mRNA decay. As such, this alteration is interpreted as a disease-causing mutation.

Labcorp Genetics (formerly Invitae), Labcorp
Classification: Pathogenic for Neurofibromatosis, type 2. Last evaluated: 2021-12-23. Review status: criteria provided, single submitter. Criteria: Invitae Variant Classification Sherloc (09022015). Collection method: clinical testing. Allele origin: germline.
Comment: This variant has not been reported in the literature in individuals affected with NF2-related conditions. This sequence change creates a premature translational stop signal (p.Arg411Alafs*32) in the NF2 gene. It is expected to result in an absent or disrupted protein product. Loss-of-function variants in NF2 are known to be pathogenic (PMID: 9643284, 16983642). This variant is not present in population databases (gnomAD no frequency). For these reasons, this variant has been classified as Pathogenic.

Literature cited by the submitters: PubMed 9643284 (cited by Labcorp Genetics (formerly Invitae), Labcorp); PubMed 16983642 (cited by Labcorp Genetics (formerly Invitae), Labcorp).

NM_000268.4(NF2):c.1229dup (p.Arg411fs)

Gene: NF2 (NF2, moesin-ezrin-radixin like (MERLIN) tumor suppressor; plus strand). Cytogenetic location: 22q12.2.
Variant type: Duplication.
Coding change: c.1229dup on transcript NM_000268.4 (MANE Select); coding-DNA position 1229, one base duplicated (A; older notation c.1229dupA).
Protein change: p.Arg411fs; shifts the reading frame from arginine 411.
Molecular consequence: frameshift variant. On other transcripts: non-coding transcript variant (1), intron variant (1).
Genome position (GRCh38, 1-based): chr22:29,673,375, A duplicated. VCF-style (leftmost placement, unchanged base first): chr22-29673374-C-CA. GRCh37 (hg19) VCF-style: chr22-30069363-C-CA.
Other names: c.1115dup, p.Arg373Alafs (NM_001407053.1, NM_001407056.1); c.1106dup, p.Arg370Alafs (NM_001407054.1, NM_001407058.1); c.1103dup, p.Arg369Alafs (NM_001407055.1); c.1094dup, p.Arg366Alafs (NM_001407057.1, NM_001407059.1); c.1229dup, p.Arg411Alafs (NM_001407060.1, NM_001407066.1); c.971dup, p.Arg325Alafs (NM_001407062.1); c.980dup, p.Arg328Alafs (NM_001407063.1, NM_001407064.1); c.695dup, p.Arg233Alafs (NM_001407065.1); and 7 more; short protein forms R328fs, R369fs, R370fs, R411fs.
Identifiers: ClinVar variation 2054973 (VCV002054973.5), dbSNP rs2518680598, ClinGen allele CA2580099575.
Genomic context (GRCh38, chr22:29,673,374, plus strand): 5'-ATCACCGAGGAGGAGGCAAAACTTCTGGCCCAGAAGGCCGCAGAGGCTGAGCAGGAAATG[C>CA]AGCGCATCAAGGCCACAGCGATTCGCACGGAGGAGGAGAAGCGCCTGATGGAGCAGAAGG-3'